The following is an entry in ClinVar:

NM_053025.4(MYLK):c.2308G>A (p.Val770Met)

Gene: MYLK (myosin light chain kinase; minus strand). Cytogenetic location: 3q21.1.
Variant type: single nucleotide variant.
Coding change: c.2308G>A on transcript NM_053025.4 (MANE Select); coding-DNA position 2308, G replaced by A.
Protein change: p.Val770Met; replaces valine 770 with methionine.
Molecular consequence: missense variant.
Genome position (GRCh38, 1-based): chr3:123,707,836, C>T on the plus strand (G>A on the coding strand, the complement: MYLK is on the minus strand). VCF-style: chr3-123707836-C-T. GRCh37 (hg19) VCF-style: chr3-123426683-C-T.
Other names: c.1780G>A, p.Val594Met (NM_001321309.2); c.2101G>A, p.Val701Met (NM_053026.4, NM_053028.4); c.2308G>A, p.Val770Met (NM_053027.4); short protein forms V594M, V701M, V770M.
Identifiers: ClinVar variation 1320989 (VCV001320989.3), dbSNP rs1443338445, ClinGen allele CA354233821.

ClinVar aggregate classification (germline): Uncertain significance. Review status: criteria provided, multiple submitters, no conflicts (2 of 4 stars). 2 submissions from 2 submitters: Uncertain significance (2). Last evaluated 2026-01-10.

Conditions:
Familial thoracic aortic aneurysm and aortic dissection (TAAD). Also called: Thoracic aortic aneurysms and dissections. Identifiers: Orphanet 91387, MedGen C4707243, MONDO:0019625.

Allele frequency attached by ClinVar (database versions not stated): gnomAD exomes below 0.00001; TOPMed below 0.00001; gnomAD 0.00001.
gnomAD v4.1: 3 of 1,614,112 alleles (0.00019%); highest among the groups gnomAD compares: South Asian, 0.0022%; no homozygotes.

Submissions (2):

Ambry Genetics
Classification: Uncertain significance for Familial thoracic aortic aneurysm and aortic dissection. Last evaluated: 2026-01-10. Review status: criteria provided, single submitter. Criteria: Ambry Variant Classification Scheme 2023. Collection method: clinical testing. Allele origin: germline.
Comment: The p.V770M variant (also known as c.2308G>A), located in coding exon 13 of the MYLK gene, results from a G to A substitution at nucleotide position 2308. The valine at codon 770 is replaced by methionine, an amino acid with highly similar properties. This amino acid position is conserved. In addition, this alteration is predicted to be tolerated by in silico analysis. Based on the available evidence, the clinical significance of this variant remains unclear.

GeneDx
Classification: Uncertain significance. Last evaluated: 2020-05-19. Review status: criteria provided, single submitter. Criteria: GeneDx Variant Classification Process June 2021. Collection method: clinical testing. Allele origin: germline. Affected: yes.
Comment: Has not been previously published as pathogenic or benign to our knowledge; Not observed in large population cohorts (Lek et al., 2016); In silico analysis supports that this missense variant does not alter protein structure/function